The following is an entry in ClinVar:

ClinVar aggregate classification (germline): Uncertain significance. Review status: criteria provided, multiple submitters, no conflicts (2 of 4 stars). 2 submissions from 2 submitters: Uncertain significance (2). Last evaluated 2023-12-29.

Conditions:
Beckwith-Wiedemann syndrome (BWS). Also called: Exomphalos macroglossia gigantism syndrome; EMG SYNDROME. Identifiers: Orphanet 116, MedGen C0004903, MONDO:0007534, OMIM 130650.

Allele frequency attached by ClinVar (database versions not stated): TOPMed below 0.00001.
gnomAD v4.1: 10 of 1,247,320 alleles (0.0008%); highest among the groups gnomAD compares: Non-Finnish European, 0.001%; no homozygotes.

Submissions (2):

Baylor Genetics
Classification: Uncertain significance for Beckwith-Wiedemann syndrome. Last evaluated: 2023-12-29. Review status: criteria provided, single submitter. Criteria: ACMG Guidelines, 2015. Collection method: clinical testing. Allele origin: unknown.

Labcorp Genetics (formerly Invitae), Labcorp
Classification: Uncertain significance for Beckwith-Wiedemann syndrome. Last evaluated: 2023-11-24. Review status: criteria provided, single submitter. Criteria: Invitae Variant Classification Sherloc (09022015). Collection method: clinical testing. Allele origin: germline.
Comment: This sequence change replaces proline, which is neutral and non-polar, with alanine, which is neutral and non-polar, at codon 158 of the CDKN1C protein (p.Pro158Ala). This variant is not present in population databases (gnomAD no frequency). This missense change has been observed in individual(s) with Beckwith–Wiedemann syndrome (PMID: 26077438). ClinVar contains an entry for this variant (Variation ID: 132854). Experimental studies and prediction algorithms are not available or were not evaluated, and the functional significance of this variant is currently unknown. In summary, the available evidence is currently insufficient to determine the role of this variant in disease. Therefore, it has been classified as a Variant of Uncertain Significance.

Literature cited by the submitters: PubMed 26077438 (cited by Labcorp Genetics (formerly Invitae), Labcorp).

NM_001122630.2(CDKN1C):c.439C>G (p.Pro147Ala)

Gene: CDKN1C (cyclin dependent kinase inhibitor 1C; minus strand). Cytogenetic location: 11p15.4.
Variant type: single nucleotide variant.
Coding change: c.439C>G on transcript NM_001122630.2 (MANE Select); coding-DNA position 439, C replaced by G.
Protein change: p.Pro147Ala; replaces proline 147 with alanine.
Molecular consequence: missense variant. On other transcripts: intron variant (1).
Genome position (GRCh38, 1-based): chr11:2,885,018, G>C on the plus strand (C>G on the coding strand, the complement: CDKN1C is on the minus strand). VCF-style: chr11-2885018-G-C. GRCh37 (hg19) VCF-style: chr11-2906248-G-C.
Other names: c.472C>G, p.Pro158Ala (NM_000076.2, NM_001362474.2, LRG_533t1); c.439C>G, p.Pro147Ala (NM_001122631.2); c.255+184C>G (NM_001362475.2); short protein forms P158A, P147A.
Identifiers: ClinVar variation 132854 (VCV000132854.10), dbSNP rs483352981, ClinGen allele CA216367327.